The following is an entry in ClinVar:

ClinVar aggregate classification (germline): Uncertain significance. Review status: criteria provided, multiple submitters, no conflicts (2 of 4 stars). 2 submissions from 2 submitters: Uncertain significance (2). Last evaluated 2025-08-25.

Conditions:
Hereditary cancer-predisposing syndrome. Also called: Neoplastic Syndromes, Hereditary; Tumor predisposition; Hereditary Cancer Syndrome; Hereditary neoplastic syndrome. Identifiers: Orphanet 140162, MedGen C0027672, MeSH D009386, MONDO:0015356.
POLD1-related polyposis and colorectal cancer syndrome (CRCS10). Also called: Colorectal cancer 10; COLORECTAL CANCER, SUSCEPTIBILITY TO, ON CHROMOSOME 19q; Colorectal cancer, susceptibility to, 10. Identifiers: Orphanet 220460, MedGen C2675481, MONDO:0012953, OMIM 612591.

Submissions (2):

Labcorp Genetics (formerly Invitae), Labcorp
Classification: Uncertain significance for POLD1-related polyposis and colorectal cancer syndrome. Last evaluated: 2025-08-25. Review status: criteria provided, single submitter. Criteria: Invitae Variant Classification Sherloc (09022015). Collection method: clinical testing. Allele origin: germline.
Comment: This sequence change replaces phenylalanine, which is neutral and non-polar, with serine, which is neutral and polar, at codon 814 of the POLD1 protein (p.Phe814Ser). This variant is not present in population databases (gnomAD no frequency). This variant has not been reported in the literature in individuals affected with POLD1-related conditions. ClinVar contains an entry for this variant (Variation ID: 3422000). Invitae Evidence Modeling of protein sequence and biophysical properties (such as structural, functional, and spatial information, amino acid conservation, physicochemical variation, residue mobility, and thermodynamic stability) indicates that this missense variant is expected to disrupt POLD1 protein function with a positive predictive value of 80%. In summary, the available evidence is currently insufficient to determine the role of this variant in disease. Therefore, it has been classified as a Variant of Uncertain Significance.

Ambry Genetics
Classification: Uncertain significance for Hereditary cancer-predisposing syndrome. Last evaluated: 2024-10-24. Review status: criteria provided, single submitter. Criteria: Ambry Variant Classification Scheme 2023. Collection method: clinical testing. Allele origin: germline.
Comment: The p.F814S variant (also known as c.2441T>C), located in coding exon 19 of the POLD1 gene, results from a T to C substitution at nucleotide position 2441. The phenylalanine at codon 814 is replaced by serine, an amino acid with highly dissimilar properties. This amino acid position is conserved. In addition, this alteration is predicted to be tolerated by in silico analysis. Based on the available evidence, the clinical significance of this variant remains unclear.

NM_002691.4(POLD1):c.2441T>C (p.Phe814Ser)

Gene: POLD1 (DNA polymerase delta 1, catalytic subunit; plus strand). Cytogenetic location: 19q13.33.
Variant type: single nucleotide variant.
Coding change: c.2441T>C on transcript NM_002691.4 (MANE Select); coding-DNA position 2441, T replaced by C.
Protein change: p.Phe814Ser; replaces phenylalanine 814 with serine.
Molecular consequence: missense variant. On other transcripts: non-coding transcript variant (1).
Genome position (GRCh38, 1-based): chr19:50,414,867, T>C. VCF-style: chr19-50414867-T-C. GRCh37 (hg19) VCF-style: chr19-50918124-T-C.
Other names: c.2441T>C, p.Phe814Ser (NM_001256849.1); c.2519T>C, p.Phe840Ser (NM_001308632.1); short protein forms F840S, F814S.
Identifiers: ClinVar variation 3422000 (VCV003422000.2).
Genomic context (GRCh38, chr19:50,414,867, plus strand): 5'-CCTCCCAGGTCTACTTCCCATACCTGCTTATCAGCAAGAAGCGCTACGCGGGCCTGCTCT[T>C]CTCCTCCCGGCCCGACGCCCACGACCGCATGGACTGCAAGGGCCTGGAGGCCGTGCGCAG-3'
Protein context (NP_002682.2, residues 804-824): ISKKRYAGLL[Phe814Ser]SSRPDAHDRM